The following is an entry in ClinVar:

NM_030780.5(SLC25A32):c.1A>G (p.Met1Val)

Gene: SLC25A32 (solute carrier family 25 member 32; minus strand). Cytogenetic location: 8q22.3.
Variant type: single nucleotide variant.
Coding change: c.1A>G on transcript NM_030780.5 (MANE Select); coding-DNA position 1, A replaced by G.
Protein change: p.Met1Val; changes the start codon (methionine 1).
Molecular consequence: missense variant, initiator codon variant. On other transcripts: non-coding transcript variant (2).
Genome position (GRCh38, 1-based): chr8:103,414,937, T>C on the plus strand (A>G on the coding strand, the complement: SLC25A32 is on the minus strand). VCF-style: chr8-103414937-T-C. GRCh37 (hg19) VCF-style: chr8-104427165-T-C.
Other names: short protein forms M1V.
Identifiers: ClinVar variation 3710309 (VCV003710309.2).

ClinVar aggregate classification (germline): Uncertain significance (1 of 4 stars; one submission).

Submission:

Labcorp Genetics (formerly Invitae), Labcorp
Classification: Uncertain significance. Last evaluated: 2024-02-17. Review status: criteria provided, single submitter. Criteria: Invitae Variant Classification Sherloc (09022015). Collection method: clinical testing. Allele origin: germline.
Comment: This sequence change affects the initiator methionine of the SLC25A32 mRNA. The next in-frame methionine is located at codon 133. This variant is present in population databases (rs377666609, gnomAD 0.02%). This variant has not been reported in the literature in individuals affected with SLC25A32-related conditions. Experimental studies and prediction algorithms are not available or were not evaluated, and the functional significance of this variant is currently unknown. In summary, the available evidence is currently insufficient to determine the role of this variant in disease. Therefore, it has been classified as a Variant of Uncertain Significance.